The following is an entry in ClinVar:

NM_080916.3(DGUOK):c.596G>C (p.Cys199Ser)

Gene: DGUOK (deoxyguanosine kinase; plus strand). Cytogenetic location: 2p13.1.
Variant type: single nucleotide variant.
Coding change: c.596G>C on transcript NM_080916.3 (MANE Select); coding-DNA position 596, G replaced by C.
Protein change: p.Cys199Ser; replaces cysteine 199 with serine.
Molecular consequence: missense variant. On other transcripts: non-coding transcript variant (1), intron variant (2).
Genome position (GRCh38, 1-based): chr2:73,957,129, G>C. VCF-style: chr2-73957129-G-C. GRCh37 (hg19) VCF-style: chr2-74184256-G-C.
Other names: c.305G>C, p.Cys102Ser (NM_001318860.2, NM_001318861.2); c.287G>C, p.Cys96Ser (NM_001318862.2, NM_001318863.2); c.444-1017G>C (NM_080918.3); c.426-1017G>C (NM_001318859.2); short protein forms C96S, C199S, C102S.
Identifiers: ClinVar variation 2864609 (VCV002864609.3), dbSNP rs1270039159, ClinGen allele CA347301300.

ClinVar aggregate classification (germline): Uncertain significance (1 of 4 stars; one submission).

gnomAD v4.1: 1 of 1,613,376 alleles (0.000062%); highest among the groups gnomAD compares: Non-Finnish European, 0.000085%; no homozygotes.

Submission:

Labcorp Genetics (formerly Invitae), Labcorp
Classification: Uncertain significance. Last evaluated: 2023-05-15. Review status: criteria provided, single submitter. Criteria: Invitae Variant Classification Sherloc (09022015). Collection method: clinical testing. Allele origin: germline.
Comment: In summary, the available evidence is currently insufficient to determine the role of this variant in disease. Therefore, it has been classified as a Variant of Uncertain Significance. Advanced modeling of protein sequence and biophysical properties (such as structural, functional, and spatial information, amino acid conservation, physicochemical variation, residue mobility, and thermodynamic stability) performed at Invitae indicates that this missense variant is not expected to disrupt DGUOK protein function. This variant has not been reported in the literature in individuals affected with DGUOK-related conditions. This variant is not present in population databases (gnomAD no frequency). This sequence change replaces cysteine, which is neutral and slightly polar, with serine, which is neutral and polar, at codon 199 of the DGUOK protein (p.Cys199Ser).